The following is an entry in ClinVar:

NM_001851.6(COL9A1):c.552G>A (p.Met184Ile)

Gene: COL9A1 (collagen type IX alpha 1 chain; minus strand). Cytogenetic location: 6q13.
Variant type: single nucleotide variant.
Coding change: c.552G>A on transcript NM_001851.6 (MANE Select); coding-DNA position 552, G replaced by A.
Protein change: p.Met184Ile; replaces methionine 184 with isoleucine.
Molecular consequence: missense variant.
Genome position (GRCh38, 1-based): chr6:70,294,311, C>T on the plus strand (G>A on the coding strand, the complement: COL9A1 is on the minus strand). VCF-style: chr6-70294311-C-T. GRCh37 (hg19) VCF-style: chr6-71004014-C-T.
Other names: c.552G>A, p.Met184Ile (NM_001377291.1); short protein forms M184I.
Identifiers: ClinVar variation 1058905 (VCV001058905.10), dbSNP rs751324421, ClinGen allele CA3882781.
Genomic context (GRCh38, chr6:70,294,311, plus strand): 5'-TAAAGATTCAATCCTGTTGCAGTCAACAAAAAGAGTAGCACTACTCCTCTCCACGCCAAT[C>T]ATGATCTTATGCCACTGGGAATCAAACAAGGAGGACAAATTCGAAAAGGCTGCTGTTTGG-3'
Protein context (NP_001842.3, residues 174-194): SLFDSQWHKI[Met184Ile]IGVERSSATL

ClinVar aggregate classification (germline): Uncertain significance. Review status: criteria provided, multiple submitters, no conflicts (2 of 4 stars). 2 submissions from 2 submitters: Uncertain significance (2). Last evaluated 2021-04-29.

Allele frequency attached by ClinVar (database versions not stated): gnomAD exomes below 0.00001; ExAC 0.00001.

Submissions (2):

Blueprint Genetics
Classification: Uncertain significance. Last evaluated: 2021-04-29. Review status: criteria provided, single submitter. Criteria: ACMG Guidelines, 2015. Collection method: clinical testing. Allele origin: germline.

Labcorp Genetics (formerly Invitae), Labcorp
Classification: Uncertain significance. Last evaluated: 2020-04-05. Review status: criteria provided, single submitter. Criteria: Invitae Variant Classification Sherloc (09022015). Collection method: clinical testing. Allele origin: germline.
Comment: This variant has not been reported in the literature in individuals with COL9A1-related conditions. This variant is present in population databases (rs751324421, ExAC 0.006%). This sequence change replaces methionine with isoleucine at codon 184 of the COL9A1 protein (p.Met184Ile). The methionine residue is highly conserved and there is a small physicochemical difference between methionine and isoleucine. Experimental studies and prediction algorithms are not available or were not evaluated, and the functional significance of this variant is currently unknown. In summary, the available evidence is currently insufficient to determine the role of this variant in disease. Therefore, it has been classified as a Variant of Uncertain Significance.